The following is an entry in ClinVar:

NM_001034116.2(EIF2B4):c.1061G>A (p.Arg354Gln)

Genes: EIF2B4 (eukaryotic translation initiation factor 2B subunit delta; minus strand), GTF3C2-AS2 (GTF3C2 antisense RNA 2; plus strand). Cytogenetic location: 2p23.3.
Variant type: single nucleotide variant.
Coding change: c.1061G>A on transcript NM_001034116.2 (MANE Select); coding-DNA position 1061, G replaced by A.
Protein change: p.Arg354Gln; replaces arginine 354 with glutamine.
Molecular consequence: missense variant.
Genome position (GRCh38, 1-based): chr2:27,366,889, C>T on the plus strand (G>A on the coding strand, the complement: EIF2B4 is on the minus strand). VCF-style: chr2-27366889-C-T. GRCh37 (hg19) VCF-style: chr2-27589756-C-T.
Other names: c.1124G>A, p.Arg375Gln (NM_001318965.2); c.1016G>A, p.Arg339Gln (NM_001318966.2); c.968G>A, p.Arg323Gln (NM_001318967.2); c.476G>A, p.Arg159Gln (NM_001318968.2); c.443G>A, p.Arg148Gln (NM_001318969.2); c.1058G>A, p.Arg353Gln (NM_015636.4); c.1121G>A, p.Arg374Gln (NM_172195.4); short protein forms R159Q, R374Q, R148Q, R354Q, R339Q, R323Q, R353Q, R375Q.
Identifiers: ClinVar variation 2183475 (VCV002183475.1), dbSNP rs368168999, ClinGen allele CA1576664.
Genomic context (GRCh38, chr2:27,366,889, plus strand): 5'-CGTAGTGTGTGCCTTCCTTCCAGCCATGGCCGGCTGTCCACCACTACCACCCGAAACCGC[C>T]GGCCCTCTGTCCAAGCCTCCTGAAGAATTCGTGATACCAGAGATGAGCTAGAGTGAATGA-3'
Protein context (NP_001029288.1, residues 344-364): RILQEAWTEG[Arg354Gln]RFRVVVVDSR

ClinVar aggregate classification (germline): Uncertain significance (1 of 4 stars; one submission).

Allele frequency attached by ClinVar (database versions not stated): gnomAD exomes 0.00001; ExAC 0.00002; gnomAD 0.00002; TOPMed 0.00002; ESP Exome Variant Server 0.00008.
gnomAD v4.1: 14 of 1,614,146 alleles (0.00087%); highest among the groups gnomAD compares: East Asian, 0.018%; no homozygotes.

Submission:

Labcorp Genetics (formerly Invitae), Labcorp
Classification: Uncertain significance. Last evaluated: 2022-07-28. Review status: criteria provided, single submitter. Criteria: Invitae Variant Classification Sherloc (09022015). Collection method: clinical testing. Allele origin: germline.
Comment: This sequence change replaces arginine, which is basic and polar, with glutamine, which is neutral and polar, at codon 353 of the EIF2B4 protein (p.Arg353Gln). This variant is present in population databases (rs368168999, gnomAD 0.03%). This variant has not been reported in the literature in individuals affected with EIF2B4-related conditions. Algorithms developed to predict the effect of missense changes on protein structure and function output the following: SIFT: "Tolerated"; PolyPhen-2: "Benign"; Align-GVGD: "Class C0". The glutamine amino acid residue is found in multiple mammalian species, which suggests that this missense change does not adversely affect protein function. In summary, the available evidence is currently insufficient to determine the role of this variant in disease. Therefore, it has been classified as a Variant of Uncertain Significance.